The following is an entry in ClinVar:

NM_003738.5(PTCH2):c.3041T>A (p.Leu1014Gln)

Gene: PTCH2 (patched 2; minus strand). Cytogenetic location: 1p34.1.
Variant type: single nucleotide variant.
Coding change: c.3041T>A on transcript NM_003738.5 (MANE Select); coding-DNA position 3041, T replaced by A.
Protein change: p.Leu1014Gln; replaces leucine 1014 with glutamine.
Molecular consequence: missense variant.
Genome position (GRCh38, 1-based): chr1:44,826,323, A>T on the plus strand (T>A on the coding strand, the complement: PTCH2 is on the minus strand). VCF-style: chr1-44826323-A-T. GRCh37 (hg19) VCF-style: chr1-45291995-A-T.
Other names: c.3041T>A, p.Leu1014Gln (NM_001166292.2); short protein forms L1014Q.
Identifiers: ClinVar variation 2721878 (VCV002721878.3), dbSNP rs1653139502, ClinGen allele CA340108365.

ClinVar aggregate classification (germline): Uncertain significance (1 of 4 stars; one submission).

Conditions:
Gorlin syndrome. Also called: Nevoid Basal Cell Carcinoma Syndrome; Basal cell nevus syndrome. Identifiers: Orphanet 377, MedGen C0004779, MONDO:0007187.

Allele frequency attached by ClinVar (database versions not stated): gnomAD 0.00001.
gnomAD v4.1: 1 of 1,614,028 alleles (0.000062%); highest among the groups gnomAD compares: Admixed American, 0.0017%; no homozygotes.

Submission:

Labcorp Genetics (formerly Invitae), Labcorp
Classification: Uncertain significance for Gorlin syndrome. Last evaluated: 2023-01-19. Review status: criteria provided, single submitter. Criteria: Invitae Variant Classification Sherloc (09022015). Collection method: clinical testing. Allele origin: germline.
Comment: In summary, the available evidence is currently insufficient to determine the role of this variant in disease. Therefore, it has been classified as a Variant of Uncertain Significance. Advanced modeling of protein sequence and biophysical properties (such as structural, functional, and spatial information, amino acid conservation, physicochemical variation, residue mobility, and thermodynamic stability) has been performed at Invitae for this missense variant, however the output from this modeling did not meet the statistical confidence thresholds required to predict the impact of this variant on PTCH2 protein function. This variant has not been reported in the literature in individuals affected with PTCH2-related conditions. This variant is not present in population databases (gnomAD no frequency). This sequence change replaces leucine, which is neutral and non-polar, with glutamine, which is neutral and polar, at codon 1014 of the PTCH2 protein (p.Leu1014Gln).